The following is an entry in ClinVar:

ClinVar aggregate classification (germline): Uncertain significance. Review status: criteria provided, multiple submitters, no conflicts (2 of 4 stars). 3 submissions from 3 submitters: Uncertain significance (2). 1 of the submissions does not count toward it. Last evaluated 2022-02-10.

Conditions:
Inborn genetic diseases. Identifiers: MedGen C0950123, MeSH D030342.
Methylcobalamin deficiency type cblE (HMAE). Also called: HOMOCYSTINURIA-MEGALOBLASTIC ANEMIA, cblE TYPE; HOMOCYSTINURIA-MEGALOBLASTIC ANEMIA, cblE COMPLEMENTATION TYPE; VITAMIN B12-RESPONSIVE HOMOCYSTINURIA, cblE TYPE. Identifiers: Orphanet 2169, Orphanet 622, MedGen C1856057, MONDO:0009354, OMIM 236270.

Allele frequency attached by ClinVar (database versions not stated): gnomAD exomes 0.00006; ExAC 0.00007; gnomAD 0.00008 and 0.00009; TOPMed 0.00008; ESP Exome Variant Server 0.00023.
gnomAD v4.1: 122 of 1,613,882 alleles (0.0076%); highest among the groups gnomAD compares: Non-Finnish European, 0.01%; no homozygotes.

Submissions (3):

Labcorp Genetics (formerly Invitae), Labcorp
Classification: Uncertain significance for Methylcobalamin deficiency type cblE. Last evaluated: 2022-02-10. Review status: criteria provided, single submitter. Criteria: Invitae Variant Classification Sherloc (09022015). Collection method: clinical testing. Allele origin: germline.
Comment: This sequence change falls in intron 12 of the MTRR gene. It does not directly change the encoded amino acid sequence of the MTRR protein. It affects a nucleotide within the consensus splice site. This variant is present in population databases (rs369853875, gnomAD 0.01%). This variant has not been reported in the literature in individuals affected with MTRR-related conditions. ClinVar contains an entry for this variant (Variation ID: 1023313). Variants that disrupt the consensus splice site are a relatively common cause of aberrant splicing (PMID: 17576681, 9536098). Algorithms developed to predict the effect of sequence changes on RNA splicing suggest that this variant may disrupt the consensus splice site. In summary, the available evidence is currently insufficient to determine the role of this variant in disease. Therefore, it has been classified as a Variant of Uncertain Significance.

Ambry Genetics
Classification: Uncertain significance for Inborn genetic diseases. Last evaluated: 2021-12-09. Review status: criteria provided, single submitter. Criteria: Ambry Variant Classification Scheme 2023. Collection method: clinical testing. Allele origin: germline.
Comment: The c.1676+3A>G intronic alteration consists of a A to G substitution 3 nucleotides after exon 12 (coding exon 11) of the MTRR gene. Based on insufficient or conflicting evidence, the clinical significance of this alteration remains unclear.

Natera, Inc.
Classification: Uncertain significance for CblE complementation type homocystinuria-megaloblastic anemia due to defect in cobalamin metabolism. Last evaluated: 2020-03-04. Review status: no assertion criteria provided. Collection method: clinical testing. Allele origin: germline. Not counted in ClinVar's aggregate classification.

Literature cited by the submitters: PubMed 17576681 (cited by Labcorp Genetics (formerly Invitae), Labcorp); PubMed 9536098 (cited by Labcorp Genetics (formerly Invitae), Labcorp).

NM_002454.3(MTRR):c.1676+3A>G

Gene: MTRR (5-methyltetrahydrofolate-homocysteine methyltransferase reductase; plus strand). Cytogenetic location: 5p15.31.
Variant type: single nucleotide variant.
Coding change: c.1676+3A>G on transcript NM_002454.3 (MANE Select); 3 bases into the intron after coding-DNA position 1676, A replaced by G.
Molecular consequence: intron variant.
Genome position (GRCh38, 1-based): chr5:7,895,855, A>G. VCF-style: chr5-7895855-A-G. GRCh37 (hg19) VCF-style: chr5-7895968-A-G.
Other names: c.1676+3A>G (NM_001364440.2, NM_001364441.2, NM_001364442.2 and 2 more transcripts).
Identifiers: ClinVar variation 1023313 (VCV001023313.8), dbSNP rs369853875, ClinGen allele CA3196012.